The following is an entry in ClinVar:

ClinVar aggregate classification (germline): Pathogenic/Likely pathogenic. Review status: criteria provided, multiple submitters, no conflicts (2 of 4 stars). 6 submissions from 6 submitters: Pathogenic (2); Likely pathogenic (4). Last evaluated 2026-09-08.

Conditions:
Cardiovascular phenotype. Identifiers: MedGen CN230736.
Fabry disease. Also called: Fabry's disease; Angiokeratoma corporis diffusum; ALPHA-GALACTOSIDASE A DEFICIENCY; ANDERSON-FABRY DISEASE; CERAMIDE TRIHEXOSIDASE DEFICIENCY; GLA DEFICIENCY. Identifiers: Orphanet 324, MedGen C0002986, MONDO:0010526, OMIM 301500, HP:0001071. Disease mechanism: loss of function, Fabry disease is due to inactivating mutations in the X-linked GLA gene resulting in deficiency of the enzyme Alpha Galactosidase-A..

Submissions (6):

Genomenon, Inc
Classification: Likely pathogenic for Fabry disease. Last evaluated: 2026-09-08. Review status: criteria provided, single submitter. Criteria: Genomenon Sequence Variant Interpretation Standards - Updated. Collection method: curation. Allele origin: germline. Affected: yes.
Comment: GLA p.Leu32Pro (c.95T>C) is a missense variant that changes the amino acid at codon 32 from Leucine to Proline. This variant has been observed in at least one proband with clinical features consistent with Fabry disease (PMID:16148726;27657681;23474038;36816376;7599642). A de novo occurrence of this variant has been observed in at least one affected individual (PMID:7599642). Functional or patient cell studies have been reported (PMID:23474038;36816376;27657681). It is absent or not present at a significant frequency in gnomAD. In silico models predict that this variant is possibly or probably damaging. In conclusion, we classify GLA p.Leu32Pro (c.95T>C) as a likely pathogenic variant.

Ambry Genetics
Classification: Likely pathogenic for Cardiovascular phenotype. Last evaluated: 2026-06-11. Review status: criteria provided, single submitter. Criteria: Ambry Variant Classification Scheme 2023. Collection method: clinical testing. Allele origin: germline.
Comment: The c.95T>C (p.L32P) alteration is located in exon 1 (coding exon 1) of the GLA gene. This alteration results from a T to C substitution at nucleotide position 95, causing the leucine (L) at amino acid position 32 to be replaced by a proline (P). This variant was not reported in population-based cohorts in the Genome Aggregation Database (gnomAD). This variant was reported in individual(s) with features consistent with Fabry disease; in at least one individual, it was determined to be de novo (Hasholt, 1990; Madsen, 1995; Gupta, 2005; Giugliani, 2013; Li, 2023). This amino acid position is highly conserved in available vertebrate species. This alteration is predicted to be deleterious by in silico analysis. Based on the available evidence, this alteration is classified as likely pathogenic.

All of Us Research Program, National Institutes of Health
Classification: Likely pathogenic for Fabry disease. Last evaluated: 2024-09-16. Review status: criteria provided, single submitter. Criteria: ACMG Guidelines, 2015. Collection method: clinical testing. Allele origin: germline. Inheritance: X-linked inheritance. Observed: 1 variant allele, 1 heterozygote.
Comment: This missense variant replaces leucine with proline at codon 32 of the GLA protein. Computational prediction tools indicate that this variant has a deleterious impact on protein structure and function. Functional studies in transfected heterologous HEK-293 cells have shown that this variant causes a 7% residual alpha-galactosidase A activity (PMID: 23474038, 27657681). This variant has been reported in several individuals affected with Fabry disease (PMID: 7599642, 15091117, 16148726, 23474038, 27834756, 36816376). In one instance, this variant arose de novo in a family with no family history of Fabry disease (PMID: 7599642). This variant has not been identified in the general population by the Genome Aggregation Database (gnomAD). Based on the available evidence, this variant is classified as Likely Pathogenic.

This study involves interpretation of variants in research participants for the purpose of population health screening. Participant phenotype was not available at the time of variant classification. Additional details can be found in publication PMID: 35346344, PMCID: PMC8962531

Labcorp Genetics (formerly Invitae), Labcorp
Classification: Pathogenic for Fabry disease. Last evaluated: 2023-03-31. Review status: criteria provided, single submitter. Criteria: Invitae Variant Classification Sherloc (09022015). Collection method: clinical testing. Allele origin: germline.
Comment: For these reasons, this variant has been classified as Pathogenic. Experimental studies have shown that this missense change affects GLA function (PMID: 23474038). Advanced modeling of protein sequence and biophysical properties (such as structural, functional, and spatial information, amino acid conservation, physicochemical variation, residue mobility, and thermodynamic stability) has been performed at Invitae for this missense variant, however the output from this modeling did not meet the statistical confidence thresholds required to predict the impact of this variant on GLA protein function. ClinVar contains an entry for this variant (Variation ID: 592219). This missense change has been observed in individual(s) with Fabry disease (PMID: 7599642, 23474038). In at least one individual the variant was observed to be de novo. This variant is not present in population databases (gnomAD no frequency). This sequence change replaces leucine, which is neutral and non-polar, with proline, which is neutral and non-polar, at codon 32 of the GLA protein (p.Leu32Pro).

GeneDx
Classification: Likely pathogenic. Last evaluated: 2022-12-27. Review status: criteria provided, single submitter. Criteria: GeneDx Variant Classification Process June 2021. Collection method: clinical testing. Allele origin: germline. Affected: yes.
Comment: Not observed at significant frequency in large population cohorts (gnomAD); In silico analysis supports that this missense variant has a deleterious effect on protein structure/function; This variant is associated with the following publications: (PMID: 25382311, 2161929, 15091117, 7599642)

Eurofins Ntd Llc (ga)
Classification: Pathogenic. Last evaluated: 2018-03-15. Review status: criteria provided, single submitter. Criteria: EGL ClinVar v180209 classification definitions. Collection method: clinical testing. Allele origin: germline. Observed: 9 variant alleles, 5 heterozygotes, 4 hemizygotes.

Literature cited by the submitters: PubMed 16148726 (cited by 3 submitters); PubMed 27657681 (cited by Genomenon, Inc and All of Us Research Program, National Institutes of Health); PubMed 23474038 (cited by 5 submitters); PubMed 36816376 (cited by 3 submitters); PubMed 7599642 (cited by 5 submitters); PubMed 2161929 (cited by Ambry Genetics); PubMed 15091117 (cited by All of Us Research Program, National Institutes of Health and Eurofins Ntd Llc (ga)); PubMed 27834756 (cited by All of Us Research Program, National Institutes of Health and Eurofins Ntd Llc (ga)).

NM_000169.3(GLA):c.95T>C (p.Leu32Pro)

Genes: GLA (galactosidase alpha; minus strand), RPL36A-HNRNPH2 (RPL36A-HNRNPH2 readthrough; plus strand). Cytogenetic location: Xq22.1.
Variant type: single nucleotide variant.
Coding change: c.95T>C on transcript NM_000169.3 (MANE Select); coding-DNA position 95, T replaced by C.
Protein change: p.Leu32Pro; replaces leucine 32 with proline.
Molecular consequence: missense variant. On other transcripts: non-coding transcript variant (3), intron variant (2).
Genome position (GRCh38, 1-based): chrX:101,407,809, A>G on the plus strand (T>C on the coding strand, the complement: GLA is on the minus strand). VCF-style: chrX-101407809-A-G. GRCh37 (hg19) VCF-style: chrX-100662797-A-G.
Other names: c.95T>C, p.Leu32Pro (NM_001406747.1, NM_001406748.1, NM_001406749.1); c.301-4127A>G (NM_001199973.2); c.178-4127A>G (NM_001199974.2); short protein forms L32P.
Identifiers: ClinVar variation 592219 (VCV000592219.13), dbSNP rs1569306168, ClinGen allele CA413937429.
Genomic context (GRCh38, chrX:101,407,809, plus strand): 5'-CACATGAAGCGCTCCCAGTGCAGCCAGCCCATGGTAGGCGTCCTTGCCAATCCATTGTCC[A>G]GTGCTCTAGCCCCAGGGATGTCCCAGGAAACGAGGGCCAGGAAGCGAAGCGCAAGCGCGC-3'
Protein context (NP_000160.1, residues 22-42): VSWDIPGARA[Leu32Pro]DNGLARTPTM